The following is an entry in ClinVar:

NM_000435.3(NOTCH3):c.4661T>C (p.Met1554Thr)

Gene: NOTCH3 (notch receptor 3; minus strand). Cytogenetic location: 19p13.12.
Variant type: single nucleotide variant.
Coding change: c.4661T>C on transcript NM_000435.3 (MANE Select); coding-DNA position 4661, T replaced by C.
Protein change: p.Met1554Thr; replaces methionine 1554 with threonine.
Molecular consequence: missense variant.
Genome position (GRCh38, 1-based): chr19:15,174,143, A>G on the plus strand (T>C on the coding strand, the complement: NOTCH3 is on the minus strand). VCF-style: chr19-15174143-A-G. GRCh37 (hg19) VCF-style: chr19-15284954-A-G.
Other names: short protein forms M1554T.
Identifiers: ClinVar variation 3375687 (VCV003375687.1).
Genomic context (GRCh38, chr19:15,174,143, plus strand): 5'-GCCAGCTCCCGACGGGCCCGGGGTTCGGAGCCAGGACTAGGCCGGTGGTAAGGGAAGACC[A>G]TGGCCTGGCCGTGCGCGTCCAGGCGGAAGCGCAGCGAGGTGCGCAGGATGGCGCTGAGCC-3'
Protein context (NP_000426.2, residues 1544-1564): RFRLDAHGQA[Met1554Thr]VFPYHRPSPG

ClinVar aggregate classification (germline): Uncertain significance (1 of 4 stars; one submission).

Submission:

GeneDx
Classification: Uncertain significance. Last evaluated: 2024-05-09. Review status: criteria provided, single submitter. Criteria: GeneDx Variant Classification Process June 2021. Collection method: clinical testing. Allele origin: germline. Affected: yes.
Comment: Not observed at significant frequency in large population cohorts (gnomAD); In silico analysis supports that this missense variant has a deleterious effect on protein structure/function; Has not been previously published as pathogenic or benign to our knowledge